The following is an entry in ClinVar:

ClinVar aggregate classification (germline): Pathogenic (1 of 4 stars; one submission).

Submission:

GeneDx
Classification: Pathogenic. Last evaluated: 2023-11-13. Review status: criteria provided, single submitter. Criteria: GeneDx Variant Classification Process June 2021. Collection method: clinical testing. Allele origin: germline. Affected: yes.
Comment: Frameshift variant predicted to result in protein truncation or nonsense mediated decay in a gene for which loss-of-function is a known mechanism of disease; Not observed at significant frequency in large population cohorts (gnomAD); Has not been previously published as pathogenic or benign to our knowledge

NM_001374828.1(ARID1B):c.1287_1320del (p.Ala430fs)

Gene: ARID1B (AT-rich interaction domain 1B; plus strand). Cytogenetic location: 6q25.3.
Variant type: Deletion.
Coding change: c.1287_1320del on transcript NM_001374828.1 (MANE Select); coding-DNA positions 1287 to 1320, 34 bases deleted.
Protein change: p.Ala430fs; shifts the reading frame from alanine 430.
Molecular consequence: frameshift variant.
Genome position (GRCh38, 1-based): chr6:156,778,967-156,779,000, 34 bases deleted; deleting any 34 consecutive bases within chr6:156,778,959-156,779,000 gives the same sequence; the c. name uses the placement nearest the transcript's 3' end. GRCh37 (hg19): chr6:157,100,101-157,100,134.
Other names: c.1287_1320del, p.Ala430fs (NM_001371656.1, NM_001374820.1, NM_017519.3); c.1038_1071del (NM_020732.3); short protein forms A430fs.
Identifiers: ClinVar variation 3342345 (VCV003342345.1).